The following is an entry in ClinVar:

ClinVar aggregate classification (germline): Uncertain significance (1 of 4 stars; one submission).

Conditions:
Hypertrophic cardiomyopathy 14. Identifiers: MedGen C2750467, MONDO:0013197, OMIM 613251.

Submission:

Labcorp Genetics (formerly Invitae), Labcorp
Classification: Uncertain significance for Hypertrophic cardiomyopathy 14. Last evaluated: 2025-03-14. Review status: criteria provided, single submitter. Criteria: Invitae Variant Classification Sherloc (09022015). Collection method: clinical testing. Allele origin: germline.
Comment: This sequence change falls in intron 15 of the MYH6 gene. It does not directly change the encoded amino acid sequence of the MYH6 protein. It affects a nucleotide within the consensus splice site. This variant is not present in population databases (gnomAD no frequency). This variant has not been reported in the literature in individuals affected with MYH6-related conditions. Variants that disrupt the consensus splice site are a relatively common cause of aberrant splicing (PMID: 17576681, 9536098). Algorithms developed to predict the effect of sequence changes on RNA splicing suggest that this variant is not likely to affect RNA splicing. In summary, the available evidence is currently insufficient to determine the role of this variant in disease. Therefore, it has been classified as a Variant of Uncertain Significance.

Literature cited by the submitters: PubMed 17576681; PubMed 9536098.

NM_002471.4(MYH6):c.1891+4A>G

Gene: MYH6 (myosin heavy chain 6; minus strand). Cytogenetic location: 14q11.2.
Variant type: single nucleotide variant.
Coding change: c.1891+4A>G on transcript NM_002471.4 (MANE Select); 4 bases into the intron after coding-DNA position 1891, A replaced by G.
Molecular consequence: intron variant.
Genome position (GRCh38, 1-based): chr14:23,398,724, T>C on the plus strand (A>G on the coding strand, the complement: MYH6 is on the minus strand). VCF-style: chr14-23398724-T-C. GRCh37 (hg19) VCF-style: chr14-23867933-T-C.
Identifiers: ClinVar variation 4769042 (VCV004769042.1).
Genomic context (GRCh38, chr14:23,398,724, plus strand): 5'-GCAGGACCCTGGCCCTTTGTGTCTTCAGAAGTCCCCTGGCCCAGTGCAGGGGCTGCCTGC[T>C]TACCAGTATCGGCAGTTGCGTAGGAGGAGAAGAGAGTGGCCATGAGCTTGAGGGAGGACT-3'